The following is an entry in ClinVar:

NM_015338.6(ASXL1):c.1900_1922del (p.Glu635fs)

Gene: ASXL1 (ASXL transcriptional regulator 1; plus strand). Cytogenetic location: 20q11.21.
Variant type: Deletion.
Coding change: c.1900_1922del on transcript NM_015338.6 (MANE Select); coding-DNA positions 1900 to 1922, 23 bases deleted (AGAGAGGCGGCCACCACTGCCAT).
Protein change: p.Glu635fs; shifts the reading frame from glutamic acid 635.
Molecular consequence: frameshift variant.
Genome position (GRCh38, 1-based): chr20:32,434,612-32,434,634, AGAGAGGCGGCCACCACTGCCAT deleted; deleting any 23 consecutive bases within chr20:32,434,600-32,434,634 gives the same sequence; the c. name uses the placement nearest the transcript's 3' end. VCF-style (leftmost placement, unchanged base first): chr20-32434599-TCACCACTGCCATAGAGAGGCGGC-T. GRCh37 (hg19) VCF-style: chr20-31022402-TCACCACTGCCATAGAGAGGCGGC-T.
Other names: c.1900_1922del (NM_015338.5); c.1717_1739del, p.Glu574fs (NM_001363734.1); c.1900_1922del23 (NM_015338.6); short protein forms E635fs, E574fs.
Identifiers: ClinVar variation 812900 (VCV000812900.42), dbSNP rs766433101, ClinGen allele CA9808475.
Genomic context (GRCh38, chr20:32,434,599, plus strand): 5'-TGGCGCCAGGACCCTCGCAGACATTAAAGCCCGTGCTCTGCAGGTCCGAGGGGCGAGAGG[TCACCACTGCCATAGAGAGGCGGC>T]CACCACTGCCATCGGAGGGGGGGGTGGCCCGGGTGGAGGTGGCGGCGGGGCCACCGATGA-3'

ClinVar aggregate classification (germline): Pathogenic/Likely pathogenic. Review status: criteria provided, multiple submitters, no conflicts (2 of 4 stars). 8 submissions from 8 submitters: Pathogenic (3); Likely pathogenic (4). 1 of the submissions does not count toward it. Last evaluated 2026-04-29.

Conditions:
ASXL1-related disorder. Also called: ASXL1-related condition; ASXL1-related disorders.
Myelodysplastic syndrome (MDS). Also called: MYELODYSPLASTIC SYNDROME, SUSCEPTIBILITY TO; Myelodysplastic syndrome, somatic; Myelodysplastic syndromes. Identifiers: Orphanet 52688, MedGen C3463824, MeSH D009190, MONDO:0018881, OMIM 614286.
Bohring-Opitz syndrome. Also called: OPITZ TRIGONOCEPHALY-LIKE SYNDROME; ASXL1-Related Bohring-Opitz Syndrome; C-LIKE SYNDROME; BOHRING SYNDROME. Identifiers: Orphanet 97297, MedGen C0796232, MONDO:0011510, OMIM 605039.
Juvenile myelomonocytic leukemia (JMML). Also called: LEUKEMIA, JUVENILE MYELOMONOCYTIC, SOMATIC. Identifiers: Orphanet 86834, MedGen C0349639, MONDO:0011908, OMIM 607785, HP:0012209.
Cafe-au-lait spot. Also called: café-au-lait spots; Café au Lait; Café-au-lait spot. Identifiers: MedGen C0221263, HP:0000957.

Submissions (8):

Service of Pediatric Gastrohepatology and Metabolic Diseases, University of Medicine of Tirana
Classification: Likely pathogenic for Myelodysplastic syndrome. Last evaluated: 2026-04-29. Review status: criteria provided, single submitter. Criteria: ACMG Guidelines, 2015. Collection method: clinical testing. Allele origin: germline. Inheritance: Autosomal dominant inheritance. Affected: yes. Observed: 1 variant allele.
Comment: ASXL1 c.1900_1922del was classified as Likely pathogenic using ACMG/AMP 2015 criteria (PMID:25741868). The in-frame/indel consequence was evaluated for disruption of a clinically relevant ASXL1 region, with PM2 for rarity/absence in population databases when reviewed, PP3/PM4-type support for predicted protein impact where applicable, and PP4 for phenotype consistency with Bohring-Opitz syndrome (OMIM:614286).

Labcorp Genetics (formerly Invitae), Labcorp
Classification: Pathogenic. Last evaluated: 2025-12-12. Review status: criteria provided, single submitter. Criteria: Invitae Variant Classification Sherloc (09022015). Collection method: clinical testing. Allele origin: germline.
Comment: This sequence change creates a premature translational stop signal (p.Glu635Argfs*15) in the ASXL1 gene. While this is not anticipated to result in nonsense mediated decay, it is expected to disrupt the last 907 amino acid(s) of the ASXL1 protein. The frequency data for this variant in the population databases is considered unreliable, as metrics indicate poor data quality at this position in the gnomAD database. This variant has not been reported in the literature in individuals affected with ASXL1-related conditions. ClinVar contains an entry for this variant (Variation ID: 812900). This variant disrupts a region of the ASXL1 protein in which other variant(s) (p.Glu1400*) have been determined to be pathogenic (PMID: 31969346). This suggests that this is a clinically significant region of the protein, and that variants that disrupt it are likely to be disease-causing. For these reasons, this variant has been classified as Pathogenic.

CeGaT Center for Human Genetics Tuebingen
Classification: Likely pathogenic. Last evaluated: 2025-07-01. Review status: criteria provided, single submitter. Criteria: CeGaT Center For Human Genetics Tuebingen Variant Classification Criteria Version 2. Collection method: clinical testing. Allele origin: germline. Affected: yes. Observed: 3 variant alleles.
Comment: ASXL1: PVS1:Strong, PS4:Moderate, PM2:Supporting

Women's Health and Genetics/Laboratory Corporation of America, LabCorp
Classification: Pathogenic for Bohring-Opitz syndrome. Last evaluated: 2024-06-10. Review status: criteria provided, single submitter. Criteria: LabCorp Variant Classification Summary - May 2015. Collection method: clinical testing. Allele origin: germline.
Comment: Variant summary: ASXL1 c.1900_1922del23 (p.Glu635ArgfsX15) results in a premature termination codon, not expected to result in nonsense mediated decay (NMD) but predicted to cause a truncation of the encoded protein, removing a large part of the protein, including the PHD-type zinc finger domain (amino acids 1500-1539; IPR026905), which is a DNA-binding domain. The frequency data for this variant in gnomAD is considered unreliable, as metrics indicate poor data quality at this position. To our knowledge, the variant, c.1900_1922del23, has not been reported in the literature in individuals affected with Bohring-Opitz Syndrome. However, multiple truncations downstream are reported in affected individuals (HGMD) and are classified as pathogenic for Bohring-Opitz syndrome by our laboratory (and others in ClinVar). ClinVar contains an entry for this variant (Variation ID: 812900). Based on the evidence outlined above, the variant was classified as pathogenic.

Genomic Medicine Center of Excellence, King Faisal Specialist Hospital and Research Centre
Classification: Likely pathogenic for Bohring-Opitz syndrome. Last evaluated: 2024-03-29. Review status: criteria provided, single submitter. Criteria: ACMG Guidelines, 2015. Collection method: clinical testing. Allele origin: germline.

Blueprint Genetics
Classification: Likely pathogenic for ASXL1-related disorders. Last evaluated: 2023-12-05. Review status: criteria provided, single submitter. Criteria: ACMG Guidelines, 2015. Collection method: clinical testing. Allele origin: germline. Affected: yes. Observed: 5 variant alleles.

Institute of Human Genetics, University of Leipzig Medical Center
Classification: Pathogenic for Bohring-Opitz syndrome. Last evaluated: 2021-03-05. Review status: criteria provided, single submitter. Criteria: ACMG Guidelines, 2015. Collection method: clinical testing. Allele origin: de novo. Affected: yes.
Comment: This variant was identified as de novo (maternity and paternity confirmed).

NIHR Bioresource Rare Diseases, University of Cambridge
Classification: Pathogenic for Cafe-au-lait spot; Juvenile myelomonocytic leukemia. Review status: no assertion criteria provided. Collection method: research. Allele origin: unknown. Affected: yes. Observed: 1 variant allele. Not counted in ClinVar's aggregate classification.

Literature cited by the submitters: PubMed 31969346 (cited by Labcorp Genetics (formerly Invitae), Labcorp); PubMed 22489043 (cited by Women's Health and Genetics/Laboratory Corporation of America, LabCorp); PubMed 24442206 (cited by Women's Health and Genetics/Laboratory Corporation of America, LabCorp); PubMed 24458439 (cited by Women's Health and Genetics/Laboratory Corporation of America, LabCorp); PubMed 25652455 (cited by Women's Health and Genetics/Laboratory Corporation of America, LabCorp); PubMed 24695057 (cited by Women's Health and Genetics/Laboratory Corporation of America, LabCorp); PubMed 23018865 (cited by Women's Health and Genetics/Laboratory Corporation of America, LabCorp); PubMed 21881046 (cited by Women's Health and Genetics/Laboratory Corporation of America, LabCorp); PubMed 23619563 (cited by Women's Health and Genetics/Laboratory Corporation of America, LabCorp); PubMed 20880116 (cited by Women's Health and Genetics/Laboratory Corporation of America, LabCorp); PubMed 23690417 (cited by Women's Health and Genetics/Laboratory Corporation of America, LabCorp); PubMed 22031865 (cited by Women's Health and Genetics/Laboratory Corporation of America, LabCorp); PubMed 25596267 (cited by Women's Health and Genetics/Laboratory Corporation of America, LabCorp); PubMed 22058207 (cited by Women's Health and Genetics/Laboratory Corporation of America, LabCorp); PubMed 24496303 (cited by Women's Health and Genetics/Laboratory Corporation of America, LabCorp); PubMed 21576631 (cited by Women's Health and Genetics/Laboratory Corporation of America, LabCorp); PubMed 24255920 (cited by Women's Health and Genetics/Laboratory Corporation of America, LabCorp); PubMed 27895058 (cited by Women's Health and Genetics/Laboratory Corporation of America, LabCorp); PubMed 27276561 (cited by Women's Health and Genetics/Laboratory Corporation of America, LabCorp); PubMed 30013160 (cited by Women's Health and Genetics/Laboratory Corporation of America, LabCorp); PubMed 32581362 (cited by Women's Health and Genetics/Laboratory Corporation of America, LabCorp and NIHR Bioresource Rare Diseases, University of Cambridge).